The following is an entry in ClinVar:

NC_000009.12:g.(?_128683896)_(128689655_?)del

Gene: SET (SET nuclear proto-oncogene; plus strand). Cytogenetic location: 9q34.11.
Variant type: Deletion.
Identifiers: ClinVar variation 830789 (VCV000830789.8).

ClinVar aggregate classification (germline): Pathogenic (1 of 4 stars; one submission).

Submission:

Labcorp Genetics (formerly Invitae), Labcorp
Classification: Pathogenic. Last evaluated: 2022-08-08. Review status: criteria provided, single submitter. Criteria: Invitae Variant Classification Sherloc (09022015). Collection method: clinical testing. Allele origin: germline.
Comment: For these reasons, this variant has been classified as Pathogenic. This variant has not been reported in the literature in individuals affected with SET-related conditions. A gross deletion of the genomic region encompassing the full coding sequence of the SET gene has been identified. Loss-of-function variants in SET are known to be pathogenic (PMID: 29688601, 29907757). The boundaries of this event are unknown as they extend beyond the assayed region for this gene and therefore may encompass additional genes.

Literature cited by the submitters: PubMed 29688601; PubMed 29907757.